The following is an entry in ClinVar:

ClinVar aggregate classification (germline): Benign/Likely benign. Review status: criteria provided, multiple submitters, no conflicts (2 of 4 stars). 13 submissions from 13 submitters: Benign (5); Likely benign (4). 4 of the submissions do not count toward it. Last evaluated 2026-09-01.

Conditions:
PARK7-related disorder. Also called: PARK7-related condition.
Renal cysts and diabetes syndrome (RCAD). Also called: MATURITY-ONSET DIABETES OF THE YOUNG, TYPE 5; Familial hypoplastic, glomerulocystic kidney. Identifiers: Orphanet 93111, MedGen C0431693, MONDO:0007669, OMIM 137920.
Autosomal recessive early-onset Parkinson disease 7. Identifiers: Orphanet 2828, MedGen C1853445, MONDO:0011658, OMIM 606324.

Allele frequency attached by ClinVar (database versions not stated): 1000 Genomes Project 30x 0.00593; 1000 Genomes Project 0.00619; gnomAD 0.00688 and 0.00704; TOPMed 0.00706; gnomAD exomes 0.00789 and 0.00955; ESP Exome Variant Server 0.00807; ExAC 0.00815.
gnomAD v4.1: 15,045 of 1,614,132 alleles (0.93%); highest among the groups gnomAD compares: Middle Eastern, 1.9%; 104 homozygotes.

Submissions (13):

CeGaT Center for Human Genetics Tuebingen
Classification: Benign. Last evaluated: 2026-09-01. Review status: criteria provided, single submitter. Criteria: CeGaT Center For Human Genetics Tuebingen Variant Classification Criteria Version 2. Collection method: clinical testing. Allele origin: germline. Affected: yes. Observed: 46 variant alleles.
Comment: PARK7: BP4, BS1, BS2

Labcorp Genetics (formerly Invitae), Labcorp
Classification: Benign for Autosomal recessive early-onset Parkinson disease 7. Last evaluated: 2026-01-21. Review status: criteria provided, single submitter. Criteria: Invitae Variant Classification Sherloc (09022015). Collection method: clinical testing. Allele origin: germline.

Mayo Clinic Laboratories, Mayo Clinic
Classification: Benign. Last evaluated: 2023-05-01. Review status: criteria provided, single submitter. Criteria: ACMG Guidelines, 2015. Collection method: clinical testing. Allele origin: germline. Observed: 17 variant alleles.
Comment: BS1, BS2, BP4

Fulgent Genetics
Classification: Likely benign for Autosomal recessive early-onset Parkinson disease 7. Last evaluated: 2022-05-26. Review status: criteria provided, single submitter. Criteria: ACMG Guidelines, 2015. Collection method: clinical testing. Allele origin: unknown.

GeneDx
Classification: Benign. Last evaluated: 2019-11-25. Review status: criteria provided, single submitter. Criteria: GeneDx Variant Classification Process June 2021. Collection method: clinical testing. Allele origin: germline. Affected: yes.
Comment: This variant is associated with the following publications: (PMID: 25466404, 16997464, 27535533, 17504761, 15254937, 15790532, 26274610, 27884173, 27592010, 12891685, 22428580, 22995991, 22960331, 15219840, 22173095, 14705128)

Athena Diagnostics
Classification: Benign. Last evaluated: 2019-03-29. Review status: criteria provided, single submitter. Criteria: Athena Diagnostics Criteria. Collection method: clinical testing. Allele origin: germline.

Illumina Laboratory Services, Illumina
Classification: Likely benign for Autosomal recessive early-onset Parkinson disease 7. Last evaluated: 2017-04-27. Review status: criteria provided, single submitter. Criteria: ICSL Variant Classification Criteria 13 December 2019. Collection method: clinical testing. Allele origin: germline.
Comment: This variant was observed as part of a predisposition screen in an ostensibly healthy population. A literature search was performed for the gene, cDNA change, and amino acid change (where applicable). Publications were found based on this search. The evidence from the literature, in combination with allele frequency data from public databases where available, was sufficient to determine this variant is unlikely to cause disease. Therefore, this variant is classified as likely benign.

Breakthrough Genomics
Classification: Likely benign. Review status: criteria provided, single submitter. Criteria: ACMG Guidelines, 2015. Collection method: not provided. Allele origin: germline. Inheritance: Autosomal recessive inheritance. Affected: yes.

Broad Center for Mendelian Genomics, Broad Institute of MIT and Harvard
Classification: Likely benign for Renal cysts and diabetes syndrome. Review status: criteria provided, single submitter. Criteria: ACMG Guidelines, 2015. Collection method: research. Allele origin: germline. Inheritance: Autosomal recessive inheritance. Affected: yes.
Comment: The heterozygous p.Arg98Gln variant in PARK7 has been identified in 3 individuals with Parkinson disease (PMID: 12891685, 14705128), but has also been identified in >1% of South Asian chromosomes and 7 homozygotes by ExAC. In vitro functional studies provide some evidence that the p.Arg98Gln variant may impact protein function (PMID: 22428580, 15219840, 15790532). However, these types of assays may not accurately represent biological function. In summary, although additional studies are required to fully establish its clinical significance, this variant meets criteria to be classified as likely benign for autosomal recessive Parkinson disease.

PreventionGenetics, part of Exact Sciences
Classification: Likely benign for PARK7-related condition. Last evaluated: 2019-03-07. Review status: no assertion criteria provided. Collection method: clinical testing. Allele origin: germline. Not counted in ClinVar's aggregate classification.
Comment: This variant is classified as likely benign based on ACMG/AMP sequence variant interpretation guidelines (Richards et al. 2015 PMID: 25741868, with internal and published modifications).

Clinical Genetics DNA and cytogenetics Diagnostics Lab, Erasmus MC, Erasmus Medical Center
Classification: Likely benign. Review status: no assertion criteria provided. Collection method: clinical testing. Allele origin: germline. Affected: yes. Study: VKGL Data-share Consensus. Not counted in ClinVar's aggregate classification.

Diagnostic Laboratory, Department of Genetics, University Medical Center Groningen
Classification: Likely benign. Review status: no assertion criteria provided. Collection method: clinical testing. Allele origin: germline. Affected: yes. Study: VKGL Data-share Consensus. Not counted in ClinVar's aggregate classification.

Genome Diagnostics Laboratory, Amsterdam University Medical Center
Classification: Benign. Review status: no assertion criteria provided. Collection method: clinical testing. Allele origin: germline. Affected: yes. Study: VKGL Data-share Consensus. Not counted in ClinVar's aggregate classification.

Literature cited by the submitters: PubMed 22173095 (cited by Athena Diagnostics and Broad Center for Mendelian Genomics, Broad Institute of MIT and Harvard); PubMed 14662519 (cited by Athena Diagnostics); PubMed 14872018 (cited by Athena Diagnostics); PubMed 14705128 (cited by 3 submitters); PubMed 16997464 (cited by Athena Diagnostics and Illumina Laboratory Services, Illumina); PubMed 27294386 (cited by Athena Diagnostics); PubMed 12891685 (cited by 3 submitters); PubMed 26274610 (cited by Athena Diagnostics); PubMed 27592010 (cited by Athena Diagnostics); PubMed 19429112 (cited by Athena Diagnostics); PubMed 15219840 (cited by Athena Diagnostics and Broad Center for Mendelian Genomics, Broad Institute of MIT and Harvard); PubMed 15790532 (cited by Athena Diagnostics); PubMed 22428580 (cited by Athena Diagnostics and Broad Center for Mendelian Genomics, Broad Institute of MIT and Harvard); PubMed 22960331 (cited by Broad Center for Mendelian Genomics, Broad Institute of MIT and Harvard); PubMed 22995991 (cited by Broad Center for Mendelian Genomics, Broad Institute of MIT and Harvard).

NM_007262.5(PARK7):c.293G>A (p.Arg98Gln)

Gene: PARK7 (Parkinsonism associated deglycase; plus strand). Cytogenetic location: 1p36.23.
Variant type: single nucleotide variant.
Coding change: c.293G>A on transcript NM_007262.5 (MANE Select); coding-DNA position 293, G replaced by A.
Protein change: p.Arg98Gln; replaces arginine 98 with glutamine.
Molecular consequence: missense variant.
Genome position (GRCh38, 1-based): chr1:7,970,934, G>A. VCF-style: chr1-7970934-G-A. GRCh37 (hg19) VCF-style: chr1-8030994-G-A.
Other names: p.Arg98Gln; c.293G>A, p.Arg98Gln (NM_001123377.2); short protein forms R98Q.
Identifiers: ClinVar variation 465831 (VCV000465831.58), dbSNP rs71653619, ClinGen allele CA569548.